The following is an entry in ClinVar:

ClinVar aggregate classification (germline): Conflicting classifications of pathogenicity. Review status: criteria provided, conflicting classifications (1 of 4 stars). 2 submissions from 2 submitters: Uncertain significance (1); Likely benign (1). Last evaluated 2023-03-23.

Conditions:
Hereditary cancer-predisposing syndrome. Also called: Hereditary Cancer Syndrome; Tumor predisposition; Hereditary neoplastic syndrome; Neoplastic Syndromes, Hereditary. Identifiers: Orphanet 140162, MedGen C0027672, MeSH D009386, MONDO:0015356.
Hereditary breast ovarian cancer syndrome. Also called: Hereditary breast and ovarian cancer syndrome (HBOC); Breast and ovarian cancer; Hereditary breast and ovarian cancer syndrome; Hereditary breast and/or ovarian cancer syndrome; Hereditary breast and ovarian cancer; BRCA1- and BRCA2-Associated Hereditary Breast and Ovarian Cancer. Identifiers: Orphanet 145, MedGen C0677776, MeSH D061325, MONDO:0003582. Disease mechanism: loss of function.

Submissions (2):

University of Washington Department of Laboratory Medicine, University of Washington
Classification: Likely benign for Hereditary cancer-predisposing syndrome. Last evaluated: 2023-03-23. Review status: criteria provided, single submitter. Criteria: Dines et al. (Genet Med. 2020). Collection method: curation. Allele origin: germline.
Comment: Missense variant in a coldspot region where missense variants are very unlikely to be pathogenic (PMID:31911673).

BRCA2 exon 11 coldspot. Reclassification based on statistical prior probability.

Labcorp Genetics (formerly Invitae), Labcorp
Classification: Uncertain significance for Hereditary breast ovarian cancer syndrome. Last evaluated: 2021-08-17. Review status: criteria provided, single submitter. Criteria: Invitae Variant Classification Sherloc (09022015). Collection method: clinical testing. Allele origin: germline.
Comment: This sequence change replaces serine with cysteine at codon 1830 of the BRCA2 protein (p.Ser1830Cys). The serine residue is weakly conserved and there is a moderate physicochemical difference between serine and cysteine. This variant is not present in population databases (ExAC no frequency). This variant has not been reported in the literature in individuals affected with BRCA2-related conditions. Advanced modeling of protein sequence and biophysical properties (such as structural, functional, and spatial information, amino acid conservation, physicochemical variation, residue mobility, and thermodynamic stability) performed at Invitae indicates that this missense variant is not expected to disrupt BRCA2 protein function. In summary, the available evidence is currently insufficient to determine the role of this variant in disease. Therefore, it has been classified as a Variant of Uncertain Significance.

NM_000059.4(BRCA2):c.5489C>G (p.Ser1830Cys)

Gene: BRCA2 (BRCA2 DNA repair associated; plus strand). Cytogenetic location: 13q13.1.
Variant type: single nucleotide variant.
Coding change: c.5489C>G on transcript NM_000059.4 (MANE Select); coding-DNA position 5489, C replaced by G.
Protein change: p.Ser1830Cys; replaces serine 1830 with cysteine.
Molecular consequence: missense variant.
Genome position (GRCh38, 1-based): chr13:32,339,844, C>G. VCF-style: chr13-32339844-C-G. GRCh37 (hg19) VCF-style: chr13-32913981-C-G.
Other names: short protein forms S1830C.
Identifiers: ClinVar variation 1411765 (VCV001411765.7), dbSNP rs1593905616, ClinGen allele CA387785753.
Genomic context (GRCh38, chr13:32,339,844, plus strand): 5'-TTGAGGAACTTGTGACTAGCTCTTCACCCTGCAAAAATAAAAATGCAGCCATTAAATTGT[C>G]CATATCTAATAGTAATAATTTTGAGGTAGGGCCACCTGCATTTAGGATAGCCAGTGGTAA-3'
Protein context (NP_000050.3, residues 1820-1840): CKNKNAAIKL[Ser1830Cys]ISNSNNFEVG